The following is an entry in ClinVar:

ClinVar aggregate classification (germline): Pathogenic (1 of 4 stars; one submission).

gnomAD v4.1: 3 of 1,613,946 alleles (0.00019%); highest among the groups gnomAD compares: Non-Finnish European, 0.00025%; no homozygotes.

Submission:

GeneDx
Classification: Pathogenic. Last evaluated: 2023-09-22. Review status: criteria provided, single submitter. Criteria: GeneDx Variant Classification Process June 2021. Collection method: clinical testing. Allele origin: germline. Affected: yes.
Comment: Nonsense variant predicted to result in protein truncation or nonsense mediated decay in a gene for which loss of function is a known mechanism of disease; Not observed at significant frequency in large population cohorts (gnomAD); This variant is associated with the following publications: (PMID: 23420520)

NM_012233.3(RAB3GAP1):c.2103G>A (p.Trp701Ter)

Gene: RAB3GAP1 (RAB3 GTPase activating protein catalytic subunit 1; plus strand). Cytogenetic location: 2q21.3.
Variant type: single nucleotide variant.
Coding change: c.2103G>A on transcript NM_012233.3 (MANE Select); coding-DNA position 2103, G replaced by A.
Protein change: p.Trp701Ter; replaces tryptophan 701 with a stop codon.
Molecular consequence: nonsense.
Genome position (GRCh38, 1-based): chr2:135,153,690, G>A. VCF-style: chr2-135153690-G-A. GRCh37 (hg19) VCF-style: chr2-135911260-G-A.
Other names: c.2103G>A, p.Trp701Ter (NM_001172435.2); short protein forms W701*.
Identifiers: ClinVar variation 488840 (VCV000488840.4), dbSNP rs772842361, ClinGen allele CA56579976.